The following is an entry in ClinVar:

ClinVar aggregate classification (germline): Likely pathogenic (1 of 4 stars; one submission).

Allele frequency attached by ClinVar (database versions not stated): gnomAD exomes below 0.00001; ExAC 0.00001.
gnomAD v4.1: 1 of 1,612,292 alleles (0.000062%); highest among the groups gnomAD compares: Non-Finnish European, 0.000085%; no homozygotes.

Submission:

GeneDx
Classification: Likely pathogenic. Last evaluated: 2013-12-16. Review status: criteria provided, single submitter. Criteria: GeneDx Variant Classification (06012015). Collection method: clinical testing. Allele origin: germline. Affected: yes.
Comment: p.Gly97Ser (GGT>AGT): c.289 G>A in exon 3 of the C20ORF7 gene (NM_024120.3). The G97S missense change that is likely pathogenic was identified in the C20ORF7 gene. It has not been published as a mutation, nor has it been reported as a benign polymorphism to our knowledge. The amino acid change is non-conservative in that a non-polar Glycine residue is replaced by a polar Serine residue. This change occurs at a highly conserved position in the C20ORF7 protein, and multiple in-silico analysis programs predict that G97S is damaging to the C20ORF7 protein. Therefore, G97S is a strong candidate for a disease-causing mutation, however the possibility that it is a benign variant cannot be excluded. The variant is found in MITONUC-MITOP panel(s).

NM_024120.5(NDUFAF5):c.289G>A (p.Gly97Ser)

Gene: NDUFAF5 (NADH:ubiquinone oxidoreductase complex assembly factor 5; plus strand). Cytogenetic location: 20p12.1.
Variant type: single nucleotide variant.
Coding change: c.289G>A on transcript NM_024120.5 (MANE Select); coding-DNA position 289, G replaced by A.
Protein change: p.Gly97Ser; replaces glycine 97 with serine.
Molecular consequence: missense variant. On other transcripts: 5 prime UTR variant (3), non-coding transcript variant (7).
Genome position (GRCh38, 1-based): chr20:13,788,614, G>A. VCF-style: chr20-13788614-G-A. GRCh37 (hg19) VCF-style: chr20-13769260-G-A.
Other names: p.G97S:GGT>AGT; c.-273G>A (NM_001352407.2); c.289G>A, p.Gly97Ser (NM_001352408.2, NM_001039375.3); c.-79G>A (NM_001352403.2); c.-293G>A (NM_001352406.2); short protein forms G97S.
Identifiers: ClinVar variation 214199 (VCV000214199.2), dbSNP rs746405080, ClinGen allele CA321911.